The following is an entry in ClinVar:

NM_003482.4(KMT2D):c.1966C>A (p.Leu656Met)

Gene: KMT2D (lysine methyltransferase 2D; minus strand). Cytogenetic location: 12q13.12.
Variant type: single nucleotide variant.
Coding change: c.1966C>A on transcript NM_003482.4 (MANE Select); coding-DNA position 1966, C replaced by A.
Protein change: p.Leu656Met; replaces leucine 656 with methionine.
Molecular consequence: missense variant.
Genome position (GRCh38, 1-based): chr12:49,051,717, G>T on the plus strand (C>A on the coding strand, the complement: KMT2D is on the minus strand). VCF-style: chr12-49051717-G-T. GRCh37 (hg19) VCF-style: chr12-49445500-G-T.
Other names: c.1966C>A (NM_003482.3); short protein forms L656M.
Identifiers: ClinVar variation 1600786 (VCV001600786.12), dbSNP rs749130936, ClinGen allele CA6548379.

ClinVar aggregate classification (germline): Benign/Likely benign. Review status: criteria provided, multiple submitters, no conflicts (2 of 4 stars). 3 submissions from 3 submitters: Benign (1); Likely benign (1). 1 of the submissions does not count toward it. Last evaluated 2026-04-01.

Conditions:
Kabuki syndrome. Also called: NIIKAWA-KUROKI SYNDROME; Kabuki make-up syndrome. Identifiers: Orphanet 2322, MedGen C0796004, MONDO:0016512.
KMT2D-related disorder. Also called: KMT2D-Related Disorders.

Allele frequency attached by ClinVar (database versions not stated): TOPMed below 0.00001; gnomAD exomes 0.00001 and 0.00003; ExAC 0.00002.
gnomAD v4.1: 20 of 1,588,236 alleles (0.0013%); highest among the groups gnomAD compares: Non-Finnish European, 0.00069%; no homozygotes.

Submissions (3):

CeGaT Center for Human Genetics Tuebingen
Classification: Likely benign. Last evaluated: 2026-04-01. Review status: criteria provided, single submitter. Criteria: CeGaT Center For Human Genetics Tuebingen Variant Classification Criteria Version 2. Collection method: clinical testing. Allele origin: germline. Affected: yes. Observed: 1 variant allele.
Comment: KMT2D: PP2, BP4, BS1

Labcorp Genetics (formerly Invitae), Labcorp
Classification: Benign for Kabuki syndrome. Last evaluated: 2024-05-23. Review status: criteria provided, single submitter. Criteria: Invitae Variant Classification Sherloc (09022015). Collection method: clinical testing. Allele origin: germline.

PreventionGenetics, part of Exact Sciences
Classification: Likely benign for KMT2D-related condition. Last evaluated: 2022-03-30. Review status: no assertion criteria provided. Collection method: clinical testing. Allele origin: germline. Not counted in ClinVar's aggregate classification.
Comment: This variant is classified as likely benign based on ACMG/AMP sequence variant interpretation guidelines (Richards et al. 2015 PMID: 25741868, with internal and published modifications).